The following is an entry in ClinVar:

NM_000171.4(GLRA1):c.1031G>A (p.Arg344Gln)

Gene: GLRA1 (glycine receptor alpha 1; minus strand). Cytogenetic location: 5q33.1.
Variant type: single nucleotide variant.
Coding change: c.1031G>A on transcript NM_000171.4 (MANE Select); coding-DNA position 1031, G replaced by A.
Protein change: p.Arg344Gln; replaces arginine 344 with glutamine.
Molecular consequence: missense variant.
Genome position (GRCh38, 1-based): chr5:151,828,949, C>T on the plus strand (G>A on the coding strand, the complement: GLRA1 is on the minus strand). VCF-style: chr5-151828949-C-T. GRCh37 (hg19) VCF-style: chr5-151208510-C-T.
Other names: c.1031G>A, p.Arg344Gln (NM_001146040.2); c.782G>A, p.Arg261Gln (NM_001292000.2); short protein forms R261Q, R344Q.
Identifiers: ClinVar variation 942832 (VCV000942832.13), dbSNP rs199618583, ClinGen allele CA3523553.

ClinVar aggregate classification (germline): Conflicting classifications of pathogenicity. Review status: criteria provided, conflicting classifications (1 of 4 stars). 3 submissions from 3 submitters: Uncertain significance (2); Likely benign (1). Last evaluated 2026-04-07.

Conditions:
Hereditary hyperekplexia. Identifiers: Orphanet 3197, MedGen C4084968, MONDO:0021022.

Allele frequency attached by ClinVar (database versions not stated): ExAC 0.00008; gnomAD exomes 0.00008; TOPMed 0.00014; gnomAD 0.00018.
gnomAD v4.1: 147 of 1,613,852 alleles (0.0091%); highest among the groups gnomAD compares: Non-Finnish European, 0.011%; no homozygotes.

Submissions (3):

Women's Health and Genetics/Laboratory Corporation of America, LabCorp
Classification: Uncertain significance. Last evaluated: 2026-04-07. Review status: criteria provided, single submitter. Criteria: LabCorp Variant Classification Summary - May 2015. Collection method: clinical testing. Allele origin: germline.
Comment: Variant summary: GLRA1 c.1031G>A (p.Arg344Gln) results in a conservative amino acid change in the encoded protein sequence. Algorithms developed to predict the effect of missense changes on protein structure and function are either unavailable or do not agree on the potential impact of this missense change. The variant allele was found at a frequency of 8.4e-05 in 251062 control chromosomes. This frequency is not significantly higher than estimated for disease-causing variants in GLRA1, allowing no conclusion about variant significance. To our knowledge, no occurrence of c.1031G>A in individuals affected with GLRA1-related conditions and no experimental evidence demonstrating its impact on protein function have been reported. ClinVar contains an entry for this variant (Variation ID: 942832). Based on the evidence outlined above, the variant was classified as uncertain significance.

Labcorp Genetics (formerly Invitae), Labcorp
Classification: Likely benign for Hereditary hyperekplexia. Last evaluated: 2025-10-01. Review status: criteria provided, single submitter. Criteria: Invitae Variant Classification Sherloc (09022015). Collection method: clinical testing. Allele origin: germline.

Blueprint Genetics
Classification: Uncertain significance. Last evaluated: 2024-02-08. Review status: criteria provided, single submitter. Criteria: ACMG Guidelines, 2015. Collection method: clinical testing. Allele origin: germline.